The following is an entry in ClinVar:

NM_000071.3(CBS):c.382G>T (p.Glu128Ter)

Gene: CBS (cystathionine beta-synthase; minus strand). Cytogenetic location: 21q22.3.
Variant type: single nucleotide variant.
Coding change: c.382G>T on transcript NM_000071.3 (MANE Select); coding-DNA position 382, G replaced by T.
Protein change: p.Glu128Ter; replaces glutamic acid 128 with a stop codon.
Molecular consequence: nonsense.
Genome position (GRCh38, 1-based): chr21:43,066,312, C>A on the plus strand (G>T on the coding strand, the complement: CBS is on the minus strand). VCF-style: chr21-43066312-C-A. GRCh37 (hg19) VCF-style: chr21-44486422-C-A.
Other names: c.382G>T, p.Glu128Ter (NM_001178008.3, NM_001178009.3, NM_001320298.2); c.67G>T, p.Glu23Ter (NM_001321072.1); short protein forms E23*, E128*.
Identifiers: ClinVar variation 2020834 (VCV002020834.5), dbSNP rs1308193541, ClinGen allele CA410601825.

ClinVar aggregate classification (germline): Pathogenic. Review status: criteria provided, multiple submitters, no conflicts (2 of 4 stars). 2 submissions from 2 submitters: Pathogenic (2). Last evaluated 2024-05-11.

Conditions:
Classic homocystinuria. Also called: Homocystinuria due to Cystathionine Beta-Synthase Deficiency; Homocystinuria due to CBS deficiency; Cystathionine beta-synthase deficiency; CBS deficiency; HOMOCYSTINURIA WITH OR WITHOUT RESPONSE TO PYRIDOXINE. Identifiers: Orphanet 394, MedGen C0751202, MONDO:0009352, OMIM 236200.
HYPERHOMOCYSTEINEMIA, THROMBOTIC, CBS-RELATED. Identifiers: MedGen C3150344, OMIM 236200.

Submissions (2):

Myriad Genetics, Inc.
Classification: Pathogenic for Classic homocystinuria. Last evaluated: 2024-05-11. Review status: criteria provided, single submitter. Criteria: Myriad Autosomal Dominant, Autosomal Recessive and X-Linked Classification Criteria (2023). Collection method: clinical testing. Allele origin: unknown.
Comment: NM_000071.2(CBS):c.382G>T(E128*) is expected to be pathogenic in the context of homocystinuria, CBS-related. This variant is predicted to lead to an abnormal or absent protein product due to the creation of a premature termination codon in CBS, a gene where loss-of-function variants are known to be pathogenic. Please note: this variant was assessed in the context of healthy population screening.

Labcorp Genetics (formerly Invitae), Labcorp
Classification: Pathogenic for HYPERHOMOCYSTEINEMIA, THROMBOTIC, CBS-RELATED. Last evaluated: 2022-07-31. Review status: criteria provided, single submitter. Criteria: Invitae Variant Classification Sherloc (09022015). Collection method: clinical testing. Allele origin: germline.
Comment: This variant is not present in population databases (gnomAD no frequency). This sequence change creates a premature translational stop signal (p.Glu128*) in the CBS gene. It is expected to result in an absent or disrupted protein product. Loss-of-function variants in CBS are known to be pathogenic (PMID: 10338090, 12124992). For these reasons, this variant has been classified as Pathogenic. This variant has not been reported in the literature in individuals affected with CBS-related conditions.

Literature cited by the submitters: PubMed 10338090 (cited by Labcorp Genetics (formerly Invitae), Labcorp); PubMed 12124992 (cited by Labcorp Genetics (formerly Invitae), Labcorp).